The following is an entry in ClinVar:

ClinVar aggregate classification (germline): Uncertain significance (1 of 4 stars; one submission).

Conditions:
Inborn genetic diseases. Identifiers: MedGen C0950123, MeSH D030342.

Submission:

Ambry Genetics
Classification: Uncertain significance for Inborn genetic diseases. Last evaluated: 2025-01-02. Review status: criteria provided, single submitter. Criteria: Ambry Variant Classification Scheme 2023. Collection method: clinical testing. Allele origin: germline.
Comment: The c.1738T>C (p.C580R) alteration is located in exon 4 (coding exon 4) of the GZF1 gene. This alteration results from a T to C substitution at nucleotide position 1738, causing the cysteine (C) at amino acid position 580 to be replaced by an arginine (R). This variant was not reported in population-based cohorts in the Genome Aggregation Database (gnomAD). This amino acid position is highly conserved in available vertebrate species. This alteration is predicted to be deleterious by in silico analysis. Based on insufficient or conflicting evidence, the clinical significance of this alteration remains unclear.

NM_022482.5(GZF1):c.1738T>C (p.Cys580Arg)

Gene: GZF1 (GDNF inducible zinc finger protein 1; plus strand). Cytogenetic location: 20p11.21.
Variant type: single nucleotide variant.
Coding change: c.1738T>C on transcript NM_022482.5 (MANE Select); coding-DNA position 1738, T replaced by C.
Protein change: p.Cys580Arg; replaces cysteine 580 with arginine.
Molecular consequence: missense variant.
Genome position (GRCh38, 1-based): chr20:23,369,694, T>C. VCF-style: chr20-23369694-T-C. GRCh37 (hg19) VCF-style: chr20-23350331-T-C.
Other names: c.1738T>C, p.Cys580Arg (NM_001317012.2, NM_001317019.1); short protein forms C580R.
Identifiers: ClinVar variation 3523527 (VCV003523527.2).